The following is an entry in ClinVar:

NM_000257.4(MYH7):c.853A>G (p.Ile285Val)

Gene: MYH7 (myosin heavy chain 7; minus strand). Cytogenetic location: 14q11.2.
Variant type: single nucleotide variant.
Coding change: c.853A>G on transcript NM_000257.4 (MANE Select); coding-DNA position 853, A replaced by G.
Protein change: p.Ile285Val; replaces isoleucine 285 with valine.
Molecular consequence: missense variant.
Genome position (GRCh38, 1-based): chr14:23,430,943, T>C on the plus strand (A>G on the coding strand, the complement: MYH7 is on the minus strand). VCF-style: chr14-23430943-T-C. GRCh37 (hg19) VCF-style: chr14-23900152-T-C.
Other names: short protein forms I285V.
Identifiers: ClinVar variation 923963 (VCV000923963.10), dbSNP rs748692506, ClinGen allele CA049384.

ClinVar aggregate classification (germline): Uncertain significance. Review status: criteria provided, multiple submitters, no conflicts (2 of 4 stars). 4 submissions from 4 submitters: Uncertain significance (4). Last evaluated 2025-09-11.

Conditions:
Hypertrophic cardiomyopathy 1 (CMH1). Also called: MYH7-Related Familial Hypertrophic Cardiomyopathy; Familial hypertrophic cardiomyopathy 1. Identifiers: MedGen C3495498, MONDO:0008647, OMIM 192600.
Cardiomyopathy (CMYO). Also called: Cardiomyopathies. Identifiers: Orphanet 167848, MedGen C0878544, MONDO:0004994, HP:0001638. Inheritance: Various modes of inheritance.
Hypertrophic cardiomyopathy. Also called: HYPERTROPHIC MYOCARDIOPATHY. Identifiers: Orphanet 217569, MedGen C0007194, MeSH D002312, MONDO:0005045, HP:0001639.

Allele frequency attached by ClinVar (database versions not stated): ExAC 0.00001; gnomAD 0.00001; gnomAD exomes below 0.00001; TOPMed 0.00001.
gnomAD v4.1: 1 of 1,613,904 alleles (0.000062%); highest among the groups gnomAD compares: Non-Finnish European, 0.000085%; no homozygotes.

Submissions (4):

Color Diagnostics, LLC DBA Color Health
Classification: Uncertain significance for Cardiomyopathy. Last evaluated: 2025-09-11. Review status: criteria provided, single submitter. Criteria: ACMG Guidelines, 2015. Collection method: clinical testing. Allele origin: germline.
Comment: This missense variant replaces isoleucine with valine at codon 285 of the MYH7 protein. Computational prediction suggests that this variant may not impact protein structure and function. To our knowledge, functional studies have not been reported for this variant. This variant has not been reported in individuals affected with MYH7-related disorders in the literature. This variant has been identified in 2/282870 chromosomes in the general population by the Genome Aggregation Database (gnomAD). The available evidence is insufficient to determine the role of this variant in disease conclusively. Therefore, this variant is classified as a Variant of Uncertain Significance.

All of Us Research Program, National Institutes of Health
Classification: Uncertain significance for Cardiomyopathy. Last evaluated: 2023-03-09. Review status: criteria provided, single submitter. Criteria: ACMG Guidelines, 2015. Collection method: clinical testing. Allele origin: germline. Inheritance: Autosomal dominant inheritance. Observed: 1 variant allele, 1 heterozygote.
Comment: This missense variant replaces isoleucine with valine at codon 285 of the MYH7 protein. Computational prediction suggests that this variant may not impact protein structure and function (internally defined REVEL score threshold <= 0.5, PMID: 27666373). To our knowledge, functional studies have not been reported for this variant. This variant has not been reported in individuals affected with MYH7-related disorders in the literature. This variant has been identified in 2/282870 chromosomes in the general population by the Genome Aggregation Database (gnomAD). The available evidence is insufficient to determine the role of this variant in disease conclusively. Therefore, this variant is classified as a Variant of Uncertain Significance.

This study involves interpretation of variants in research participants for the purpose of population health screening. Participant phenotype was not available at the time of variant classification. Additional details can be found in publication PMID: 35346344, PMCID: PMC8962531

Labcorp Genetics (formerly Invitae), Labcorp
Classification: Uncertain significance for Hypertrophic cardiomyopathy. Last evaluated: 2022-07-09. Review status: criteria provided, single submitter. Criteria: Invitae Variant Classification Sherloc (09022015). Collection method: clinical testing. Allele origin: germline.
Comment: This sequence change replaces isoleucine, which is neutral and non-polar, with valine, which is neutral and non-polar, at codon 285 of the MYH7 protein (p.Ile285Val). This variant is present in population databases (rs748692506, gnomAD 0.002%). This variant has not been reported in the literature in individuals affected with MYH7-related conditions. ClinVar contains an entry for this variant (Variation ID: 923963). Algorithms developed to predict the effect of missense changes on protein structure and function are either unavailable or do not agree on the potential impact of this missense change (SIFT: "Deleterious"; PolyPhen-2: "Benign"; Align-GVGD: "Class C0"). This variant is found within a region of MYH7 between codons 181 and 937 that contains the majority of the myosin head domain. Missense variants in this region have been shown to be significantly overrepresented in individuals with hypertrophic cardiomyopathy (PMID: 27532257). In summary, the available evidence is currently insufficient to determine the role of this variant in disease. Therefore, it has been classified as a Variant of Uncertain Significance.

Genetics and Molecular Pathology, SA Pathology
Classification: Uncertain significance for Hypertrophic cardiomyopathy 1. Last evaluated: 2022-03-02. Review status: criteria provided, single submitter. Criteria: ACMG Guidelines, 2015. Collection method: clinical testing. Allele origin: germline. Affected: yes.
Comment: There is insufficient information available to classify this variant at this time.(PM1, PM2, PP3)

Literature cited by the submitters: PubMed 27532257 (cited by Labcorp Genetics (formerly Invitae), Labcorp).